The following is an entry in ClinVar:

NM_001122659.3(EDNRB):c.629A>G (p.Lys210Arg)

Genes: EDNRB-AS1 (EDNRB antisense RNA 1; plus strand), EDNRB (endothelin receptor type B; minus strand). Cytogenetic location: 13q22.3.
Variant type: single nucleotide variant.
Coding change: c.629A>G on transcript NM_001122659.3 (MANE Select); coding-DNA position 629, A replaced by G.
Protein change: p.Lys210Arg; replaces lysine 210 with arginine.
Molecular consequence: missense variant.
Genome position (GRCh38, 1-based): chr13:77,903,328, T>C on the plus strand (A>G on the coding strand, the complement: EDNRB is on the minus strand). VCF-style: chr13-77903328-T-C. GRCh37 (hg19) VCF-style: chr13-78477463-T-C.
Other names: c.629A>G, p.Lys210Arg (NM_000115.5, NM_003991.4); c.899A>G, p.Lys300Arg (NM_001201397.2); short protein forms K300R, K210R.
Identifiers: ClinVar variation 2711708 (VCV002711708.3), dbSNP rs2501547767, ClinGen allele CA388451078.
Genomic context (GRCh38, chr13:77,903,328, plus strand): 5'-ACAGAGACCACCCAAATCAAAACAATTTCTACTGCTGTCCATTTTGGAACCCCAATTCCT[T>C]TAATTCTACTCCAAGAAGCAACAGCTCGATATCTGAAGATAAAAATAGAATTGTATTTTA-3'
Protein context (NP_001116131.1, residues 200-220): YRAVASWSRI[Lys210Arg]GIGVPKWTAV

ClinVar aggregate classification (germline): Uncertain significance (1 of 4 stars; one submission).

Submission:

Labcorp Genetics (formerly Invitae), Labcorp
Classification: Uncertain significance. Last evaluated: 2023-08-21. Review status: criteria provided, single submitter. Criteria: Invitae Variant Classification Sherloc (09022015). Collection method: clinical testing. Allele origin: germline.
Comment: This sequence change replaces lysine, which is basic and polar, with arginine, which is basic and polar, at codon 210 of the EDNRB protein (p.Lys210Arg). This variant is not present in population databases (gnomAD no frequency). In summary, the available evidence is currently insufficient to determine the role of this variant in disease. Therefore, it has been classified as a Variant of Uncertain Significance. This variant has not been reported in the literature in individuals affected with EDNRB-related conditions. Advanced modeling of protein sequence and biophysical properties (such as structural, functional, and spatial information, amino acid conservation, physicochemical variation, residue mobility, and thermodynamic stability) performed at Invitae indicates that this missense variant is not expected to disrupt EDNRB protein function.